The following is an entry in ClinVar:

NM_004656.4(BAP1):c.344T>G (p.Met115Arg)

Gene: BAP1 (BRCA1 associated deubiquitinase 1; minus strand). Cytogenetic location: 3p21.1.
Variant type: single nucleotide variant.
Coding change: c.344T>G on transcript NM_004656.4 (MANE Select); coding-DNA position 344, T replaced by G.
Protein change: p.Met115Arg; replaces methionine 115 with arginine.
Molecular consequence: missense variant.
Genome position (GRCh38, 1-based): chr3:52,407,989, A>C on the plus strand (T>G on the coding strand, the complement: BAP1 is on the minus strand). VCF-style: chr3-52407989-A-C. GRCh37 (hg19) VCF-style: chr3-52442005-A-C.
Other names: short protein forms M115R.
Identifiers: ClinVar variation 1446530 (VCV001446530.6), dbSNP rs1705219785, ClinGen allele CA353111911.

ClinVar aggregate classification (germline): Uncertain significance (1 of 4 stars; one submission).

Conditions:
BAP1-related tumor predisposition syndrome (TPDS1). Also called: BAP1 tumor predisposition syndrome; COMMON Syndrome; TUMOR PREDISPOSITION SYNDROME 1; Tumor susceptibility linked to germline BAP1 mutations. Identifiers: Orphanet 289539, MedGen C3280492, MONDO:0013692, OMIM 614327.

Submission:

Labcorp Genetics (formerly Invitae), Labcorp
Classification: Uncertain significance for BAP1-related tumor predisposition syndrome. Last evaluated: 2021-11-08. Review status: criteria provided, single submitter. Criteria: Invitae Variant Classification Sherloc (09022015). Collection method: clinical testing. Allele origin: germline.
Comment: This variant is not present in population databases (gnomAD no frequency). This sequence change replaces methionine, which is neutral and non-polar, with arginine, which is basic and polar, at codon 115 of the BAP1 protein (p.Met115Arg). This variant has not been reported in the literature in individuals affected with BAP1-related conditions. In summary, the available evidence is currently insufficient to determine the role of this variant in disease. Therefore, it has been classified as a Variant of Uncertain Significance. Algorithms developed to predict the effect of missense changes on protein structure and function (SIFT, PolyPhen-2, Align-GVGD) all suggest that this variant is likely to be disruptive.